The following is an entry in ClinVar:

ClinVar aggregate classification (germline): Uncertain significance. Review status: criteria provided, multiple submitters, no conflicts (2 of 4 stars). 2 submissions from 2 submitters: Uncertain significance (2). Last evaluated 2024-10-02.

Conditions:
Chondrosarcoma. Also called: Chondrosarcoma, somatic. Identifiers: Orphanet 55880, MedGen C0008479, MONDO:0008977, OMIM 215300, HP:0006765.
Multiple congenital exostosis (EXT). Also called: Multiple osteochondromas; MULTIPLE CARTILAGINOUS EXOSTOSES; Hereditary multiple osteochondromas; Hereditary multiple exostoses; Hereditary multiple exostosis; Multiple exostoses. Identifiers: Orphanet 321, MedGen C0015306, MONDO:0005508, HP:0002762.

Allele frequency attached by ClinVar (database versions not stated): gnomAD 0.00001; ExAC 0.00002; TOPMed 0.00002.
gnomAD v4.1: 61 of 1,614,096 alleles (0.0038%); highest among the groups gnomAD compares: Non-Finnish European, 0.005%; no homozygotes.

Submissions (2):

Labcorp Genetics (formerly Invitae), Labcorp
Classification: Uncertain significance for Multiple congenital exostosis. Last evaluated: 2024-10-02. Review status: criteria provided, single submitter. Criteria: Invitae Variant Classification Sherloc (09022015). Collection method: clinical testing. Allele origin: germline.
Comment: This sequence change replaces lysine, which is basic and polar, with arginine, which is basic and polar, at codon 308 of the EXT1 protein (p.Lys308Arg). This variant is present in population databases (rs771837506, gnomAD 0.002%). This missense change has been observed in individual(s) with EXT1-related conditions (PMID: 28170084). Invitae Evidence Modeling of protein sequence and biophysical properties (such as structural, functional, and spatial information, amino acid conservation, physicochemical variation, residue mobility, and thermodynamic stability) indicates that this missense variant is not expected to disrupt EXT1 protein function with a negative predictive value of 80%. In summary, the available evidence is currently insufficient to determine the role of this variant in disease. Therefore, it has been classified as a Variant of Uncertain Significance.

Baylor Genetics
Classification: Uncertain significance for Chondrosarcoma. Last evaluated: 2023-06-26. Review status: criteria provided, single submitter. Criteria: ACMG Guidelines, 2015. Collection method: clinical testing. Allele origin: unknown.

Literature cited by the submitters: PubMed 28170084 (cited by Labcorp Genetics (formerly Invitae), Labcorp).

NM_000127.3(EXT1):c.923A>G (p.Lys308Arg)

Gene: EXT1 (exostosin glycosyltransferase 1; minus strand). Cytogenetic location: 8q24.11.
Variant type: single nucleotide variant.
Coding change: c.923A>G on transcript NM_000127.3 (MANE Select); coding-DNA position 923, A replaced by G.
Protein change: p.Lys308Arg; replaces lysine 308 with arginine.
Molecular consequence: missense variant.
Genome position (GRCh38, 1-based): chr8:118,110,124, T>C on the plus strand (A>G on the coding strand, the complement: EXT1 is on the minus strand). VCF-style: chr8-118110124-T-C. GRCh37 (hg19) VCF-style: chr8-119122363-T-C.
Other names: short protein forms K308R.
Identifiers: ClinVar variation 2675175 (VCV002675175.3), dbSNP rs771837506, ClinGen allele CA4854303.
Genomic context (GRCh38, chr8:118,110,124, plus strand): 5'-CACGCCAGCCCAGACACTTACTTCTCATACTCGGTGTTGTCTCTGTCACAGCGAGAATCC[T>C]TGTGCTTTTGCCAGTCTTTGCCATGCTTGCAGGTGGTGAGGAGCACAACGTCCTCCCCGT-3'
Protein context (NP_000118.2, residues 298-318): CKHGKDWQKH[Lys308Arg]DSRCDRDNTE